The following is an entry in ClinVar:

ClinVar aggregate classification (germline): Benign/Likely benign. Review status: criteria provided, multiple submitters, no conflicts (2 of 4 stars). 2 submissions from 2 submitters: Benign (1); Likely benign (1). Last evaluated 2026-01-05.

Conditions:
Osteopetrosis. Identifiers: Orphanet 2781, MedGen C0029454, MONDO:0017198, HP:0011002.

Allele frequency attached by ClinVar (database versions not stated): ESP Exome Variant Server 0.00008; gnomAD 0.00013; 1000 Genomes Project 30x 0.00016; 1000 Genomes Project 0.00020; gnomAD exomes 0.00024; TOPMed 0.00034; ExAC 0.00041.
gnomAD v4.1: 107 of 1,584,358 alleles (0.0068%); highest among the groups gnomAD compares: East Asian, 0.17%; no homozygotes.

Submissions (2):

Labcorp Genetics (formerly Invitae), Labcorp
Classification: Benign. Last evaluated: 2026-01-05. Review status: criteria provided, single submitter. Criteria: Invitae Variant Classification Sherloc (09022015). Collection method: clinical testing. Allele origin: germline.

Illumina Laboratory Services, Illumina
Classification: Likely benign for Osteopetrosis. Last evaluated: 2018-01-13. Review status: criteria provided, single submitter. Criteria: ICSL Variant Classification Criteria 13 December 2019. Collection method: clinical testing. Allele origin: germline.
Comment: This variant was observed in the ICSL laboratory as part of a predisposition screen in an ostensibly healthy population. It had not been previously curated by ICSL or reported in the Human Gene Mutation Database (HGMD: prior to June 1st, 2018), and was therefore a candidate for classification through an automated scoring system. Utilizing variant allele frequency, disease prevalence and penetrance estimates, and inheritance mode, an automated score was calculated to assess if this variant is too frequent to cause the disease. Based on the score and internal cut-off values, a variant classified as likely benign is not then subjected to further curation. The score for this variant resulted in a classification of likely benign for this disease.

NM_001287.6(CLCN7):c.286-9G>T

Gene: CLCN7 (chloride voltage-gated channel 7; minus strand). Cytogenetic location: 16p13.3.
Variant type: single nucleotide variant.
Coding change: c.286-9G>T on transcript NM_001287.6 (MANE Select); 9 bases into the intron before coding-DNA position 286, G replaced by T.
Molecular consequence: intron variant.
Genome position (GRCh38, 1-based): chr16:1,461,479, C>A on the plus strand (G>T on the coding strand, the complement: CLCN7 is on the minus strand). VCF-style: chr16-1461479-C-A. GRCh37 (hg19) VCF-style: chr16-1511480-C-A.
Other names: c.214-9G>T (NM_001114331.3).
Identifiers: ClinVar variation 317964 (VCV000317964.13), dbSNP rs200321142, ClinGen allele CA7810833.